The following is an entry in ClinVar:

NM_001378778.1(MPDZ):c.1246G>A (p.Val416Ile)

Gene: MPDZ (multiple PDZ domain crumbs cell polarity complex component; minus strand). Cytogenetic location: 9p23.
Variant type: single nucleotide variant.
Coding change: c.1246G>A on transcript NM_001378778.1 (MANE Select); coding-DNA position 1246, G replaced by A.
Protein change: p.Val416Ile; replaces valine 416 with isoleucine.
Molecular consequence: missense variant.
Genome position (GRCh38, 1-based): chr9:13,216,818, C>T on the plus strand (G>A on the coding strand, the complement: MPDZ is on the minus strand). VCF-style: chr9-13216818-C-T. GRCh37 (hg19) VCF-style: chr9-13216817-C-T.
Other names: c.1246G>A, p.Val416Ile (NM_001261406.2, NM_001261407.2, NM_001330637.2 and 14 more transcripts); c.1246G>A (NM_003829.3); short protein forms V416I.
Identifiers: ClinVar variation 1351519 (VCV001351519.4), dbSNP rs753084316, ClinGen allele CA4987848.

ClinVar aggregate classification (germline): Uncertain significance. Review status: criteria provided, multiple submitters, no conflicts (2 of 4 stars). 2 submissions from 2 submitters: Uncertain significance (2). Last evaluated 2022-07-06.

Conditions:
Inborn genetic diseases. Identifiers: MedGen C0950123, MeSH D030342.

Allele frequency attached by ClinVar (database versions not stated): ExAC 0.00002; gnomAD exomes 0.00003; TOPMed 0.00003.
gnomAD v4.1: 34 of 1,610,056 alleles (0.0021%); highest among the groups gnomAD compares: Admixed American, 0.0084%; no homozygotes.

Submissions (2):

Labcorp Genetics (formerly Invitae), Labcorp
Classification: Uncertain significance. Last evaluated: 2022-07-06. Review status: criteria provided, single submitter. Criteria: Invitae Variant Classification Sherloc (09022015). Collection method: clinical testing. Allele origin: germline.
Comment: This sequence change replaces valine, which is neutral and non-polar, with isoleucine, which is neutral and non-polar, at codon 416 of the MPDZ protein (p.Val416Ile). This variant is present in population databases (rs753084316, gnomAD 0.02%). This variant has not been reported in the literature in individuals affected with MPDZ-related conditions. ClinVar contains an entry for this variant (Variation ID: 1351519). Algorithms developed to predict the effect of missense changes on protein structure and function (SIFT, PolyPhen-2, Align-GVGD) all suggest that this variant is likely to be disruptive. In summary, the available evidence is currently insufficient to determine the role of this variant in disease. Therefore, it has been classified as a Variant of Uncertain Significance.

Ambry Genetics
Classification: Uncertain significance for Inborn genetic diseases. Last evaluated: 2021-06-29. Review status: criteria provided, single submitter. Criteria: Ambry Variant Classification Scheme 2023. Collection method: clinical testing. Allele origin: germline.
Comment: Deciphering Developmental Disorders, 2017 Based on insufficient or conflicting evidence, the clinical significance of this alteration remains unclear.

Literature cited by the submitters: PubMed 28135719 (cited by Ambry Genetics).